The following is an entry in ClinVar:

ClinVar aggregate classification (germline): Conflicting classifications of pathogenicity. Review status: criteria provided, conflicting classifications (1 of 4 stars). 6 submissions from 6 submitters: Likely pathogenic (2); Uncertain significance (4). Last evaluated 2026-03-11.

Conditions:
TNNC1-related disorder. Also called: TNNC1-related condition.
Cardiovascular phenotype. Identifiers: MedGen CN230736.
Dilated cardiomyopathy 1Z (CMD1Z). Identifiers: Orphanet 154, MedGen C2678475, MONDO:0012745, OMIM 611879.
Hypertrophic cardiomyopathy 13. Also called: TNNC1-Related Familial Hypertrophic Cardiomyopathy. Identifiers: MedGen C2750472, MONDO:0013195, OMIM 613243.

Submissions (6):

PreventionGenetics, part of Exact Sciences
Classification: Likely pathogenic for TNNC1-related condition. Last evaluated: 2026-03-11. Review status: criteria provided, single submitter. Criteria: ACMG Guidelines, 2015. Collection method: clinical testing. Allele origin: germline.
Comment: The TNNC1 c.400G>A variant is predicted to result in the amino acid substitution p.Glu134Lys. This variant has been reported in four unrelated individuals with dilated cardiomyopathy (Cuenca et al. 2016. PubMed ID: 26899768; Table S9, Stava et al. 2022. PubMed ID: 35653365; Table S2, Bagnall et al. 2022. PubMed ID: 36252119; Pérez-Serra et al. 2024. PubMed ID: 38612618). This variant has not been reported in a large population database (gnomAD), indicating this variant is rare. This variant is interpreted as likely pathogenic.

Labcorp Genetics (formerly Invitae), Labcorp
Classification: Uncertain significance for Hypertrophic cardiomyopathy 13; Dilated cardiomyopathy 1Z. Last evaluated: 2026-02-01. Review status: criteria provided, single submitter. Criteria: Invitae Variant Classification Sherloc (09022015). Collection method: clinical testing. Allele origin: germline.
Comment: This sequence change replaces glutamic acid, which is acidic and polar, with lysine, which is basic and polar, at codon 134 of the TNNC1 protein (p.Glu134Lys). This variant is not present in population databases (gnomAD no frequency). This missense change has been observed in individual(s) with cardiomyopathy (PMID: 26899768, 36252119). ClinVar contains an entry for this variant (Variation ID: 470558). An algorithm developed to predict the effect of missense changes on protein structure and function (PolyPhen-2) suggests that this variant is likely to be disruptive. This variant disrupts the p.Glu134 amino acid residue in TNNC1. Other variant(s) that disrupt this residue have been observed in individuals with TNNC1-related conditions (PMID: 18572189), which suggests that this may be a clinically significant amino acid residue. In summary, the available evidence is currently insufficient to determine the role of this variant in disease. Therefore, it has been classified as a Variant of Uncertain Significance.

GeneDx
Classification: Uncertain significance. Last evaluated: 2025-05-13. Review status: criteria provided, single submitter. Criteria: GeneDx Variant Classification Process June 2021. Collection method: clinical testing. Allele origin: germline. Affected: yes.
Comment: Reported in individuals with DCM in published literature and referred for genetic testing at GeneDx; at least one of these individuals harbored additional cardiogenetic variants (PMID: 26899768, 36252119, 35653365, 38612618); Not observed at significant frequency in large population cohorts (gnomAD); In silico analysis suggests that this missense variant does not alter protein structure/function; This variant is associated with the following publications: (PMID: 36252119, 26899768, 35653365, 38612618)

Molecular Diagnostic Laboratory for Inherited Cardiovascular Disease, Montreal Heart Institute
Classification: Uncertain significance for Cardiovascular phenotype. Last evaluated: 2025-04-09. Review status: criteria provided, single submitter. Criteria: ACMG Guidelines, 2015. Collection method: clinical testing. Allele origin: germline. Affected: yes.

Blueprint Genetics
Classification: Likely pathogenic for TNNC1-related disorders. Last evaluated: 2024-04-22. Review status: criteria provided, single submitter. Criteria: ACMG Guidelines, 2015. Collection method: clinical testing. Allele origin: germline. Affected: yes. Observed: 3 variant alleles.

Ambry Genetics
Classification: Uncertain significance for Cardiovascular phenotype. Last evaluated: 2022-08-02. Review status: criteria provided, single submitter. Criteria: Ambry Variant Classification Scheme 2023. Collection method: clinical testing. Allele origin: germline.
Comment: The p.E134K variant (also known as c.400G>A), located in coding exon 5 of the TNNC1 gene, results from a G to A substitution at nucleotide position 400. The glutamic acid at codon 134 is replaced by lysine, an amino acid with similar properties. This alteration has been reported in a patient with dilated cardiomyopathy (Cuenca S et al. J. Heart Lung Transplant. 2016;35:625-35). This amino acid position is well conserved in available vertebrate species. In addition, the in silico prediction for this alteration is inconclusive. Since supporting evidence is limited at this time, the clinical significance of this alteration remains unclear.

Literature cited by the submitters: PubMed 26899768 (cited by Labcorp Genetics (formerly Invitae), Labcorp and Ambry Genetics); PubMed 36252119 (cited by Labcorp Genetics (formerly Invitae), Labcorp); PubMed 18572189 (cited by Labcorp Genetics (formerly Invitae), Labcorp and Ambry Genetics).

NM_003280.3(TNNC1):c.400G>A (p.Glu134Lys)

Gene: TNNC1 (troponin C1, slow skeletal and cardiac type; minus strand). Cytogenetic location: 3p21.1.
Variant type: single nucleotide variant.
Coding change: c.400G>A on transcript NM_003280.3 (MANE Select); coding-DNA position 400, G replaced by A.
Protein change: p.Glu134Lys; replaces glutamic acid 134 with lysine.
Molecular consequence: missense variant.
Genome position (GRCh38, 1-based): chr3:52,451,445, C>T on the plus strand (G>A on the coding strand, the complement: TNNC1 is on the minus strand). VCF-style: chr3-52451445-C-T. GRCh37 (hg19) VCF-style: chr3-52485461-C-T.
Other names: c.400G>A (LRG_378t1); short protein forms E134K.
Identifiers: ClinVar variation 470558 (VCV000470558.19), dbSNP rs1553651640, ClinGen allele CA353165367.